The following is an entry in ClinVar:

ClinVar aggregate classification (germline): Benign/Likely benign. Review status: criteria provided, multiple submitters, no conflicts (2 of 4 stars). 3 submissions from 3 submitters: Benign (1); Likely benign (2). Last evaluated 2026-06-10.

Conditions:
Tumor predisposition syndrome 2 (TPDS2). Also called: MBD4-Related Tumor Predisposition Syndrome; MBD4-associated neoplasia syndrome (MANS); MBD4-ASSOCIATED NEOPLASIA SYNDROME. Identifiers: Orphanet 661526, MedGen C5774186, MONDO:0859267, OMIM 619975.
Inborn genetic diseases. Identifiers: MedGen C0950123, MeSH D030342.

gnomAD v4.1: 4 of 1,614,150 alleles (0.00025%); highest among the groups gnomAD compares: Non-Finnish European, 0.00034%; no homozygotes.

Submissions (3):

Myriad Genetics, Inc.
Classification: Benign for Tumor predisposition syndrome 2. Last evaluated: 2026-06-10. Review status: criteria provided, single submitter. Criteria: Myriad Autosomal Dominant, Autosomal Recessive and X-Linked Classification Criteria (2023). Collection method: clinical testing. Allele origin: unknown.
Comment: This variant is considered benign. This variant is a silent/synonymous amino acid change and it is not expected to impact splicing.

Ambry Genetics
Classification: Likely benign for Inborn genetic diseases. Last evaluated: 2024-12-13. Review status: criteria provided, single submitter. Criteria: Ambry Variant Classification Scheme 2023. Collection method: clinical testing. Allele origin: germline.

Labcorp Genetics (formerly Invitae), Labcorp
Classification: Likely benign. Last evaluated: 2024-03-05. Review status: criteria provided, single submitter. Criteria: Invitae Variant Classification Sherloc (09022015). Collection method: clinical testing. Allele origin: germline.

NM_001276270.2(MBD4):c.861T>C (p.Thr287=)

Gene: MBD4 (methyl-CpG binding domain 4, DNA glycosylase; minus strand). Cytogenetic location: 3q21.3.
Variant type: single nucleotide variant.
Coding change: c.861T>C on transcript NM_001276270.2 (MANE Select); coding-DNA position 861, T replaced by C.
Protein change: p.Thr287=; no amino-acid change (threonine 287 retained).
Molecular consequence: synonymous variant. On other transcripts: intron variant (1).
Genome position (GRCh38, 1-based): chr3:129,436,783, A>G on the plus strand (T>C on the coding strand, the complement: MBD4 is on the minus strand). VCF-style: chr3-129436783-A-G. GRCh37 (hg19) VCF-style: chr3-129155626-A-G.
Other names: c.861T>C, p.Thr287= (NM_001276271.2, NM_001276272.2, NM_003925.3); c.247+1025T>C (NM_001276273.2).
Identifiers: ClinVar variation 3684271 (VCV003684271.4).